The following is an entry in ClinVar:

NM_020745.4(AARS2):c.1492G>A (p.Ala498Thr)

Gene: AARS2 (alanyl-tRNA synthetase 2, mitochondrial; minus strand). Cytogenetic location: 6p21.1.
Variant type: single nucleotide variant.
Coding change: c.1492G>A on transcript NM_020745.4 (MANE Select); coding-DNA position 1492, G replaced by A.
Protein change: p.Ala498Thr; replaces alanine 498 with threonine.
Molecular consequence: missense variant.
Genome position (GRCh38, 1-based): chr6:44,305,141, C>T on the plus strand (G>A on the coding strand, the complement: AARS2 is on the minus strand). VCF-style: chr6-44305141-C-T. GRCh37 (hg19) VCF-style: chr6-44272878-C-T.
Other names: short protein forms A498T.
Identifiers: ClinVar variation 2106732 (VCV002106732.4), dbSNP rs2534672724, ClinGen allele CA364338902.

ClinVar aggregate classification (germline): Uncertain significance (1 of 4 stars; one submission).

Submission:

Labcorp Genetics (formerly Invitae), Labcorp
Classification: Uncertain significance. Last evaluated: 2022-03-04. Review status: criteria provided, single submitter. Criteria: Invitae Variant Classification Sherloc (09022015). Collection method: clinical testing. Allele origin: germline.
Comment: Advanced modeling of protein sequence and biophysical properties (such as structural, functional, and spatial information, amino acid conservation, physicochemical variation, residue mobility, and thermodynamic stability) performed at Invitae indicates that this missense variant is not expected to disrupt AARS2 protein function. In summary, the available evidence is currently insufficient to determine the role of this variant in disease. Therefore, it has been classified as a Variant of Uncertain Significance. This variant has not been reported in the literature in individuals affected with AARS2-related conditions. This variant is not present in population databases (gnomAD no frequency). This sequence change replaces alanine, which is neutral and non-polar, with threonine, which is neutral and polar, at codon 498 of the AARS2 protein (p.Ala498Thr).